The following is an entry in ClinVar:

NM_001083116.3(PRF1):c.217T>A (p.Cys73Ser)

Gene: PRF1 (perforin 1; minus strand). Cytogenetic location: 10q22.1.
Variant type: single nucleotide variant.
Coding change: c.217T>A on transcript NM_001083116.3 (MANE Select); coding-DNA position 217, T replaced by A.
Protein change: p.Cys73Ser; replaces cysteine 73 with serine.
Molecular consequence: missense variant.
Genome position (GRCh38, 1-based): chr10:70,600,686, A>T on the plus strand (T>A on the coding strand, the complement: PRF1 is on the minus strand). VCF-style: chr10-70600686-A-T. GRCh37 (hg19) VCF-style: chr10-72360442-A-T.
Other names: c.217T>A, p.Cys73Ser (NM_005041.6); short protein forms C73S.
Identifiers: ClinVar variation 4847859 (VCV004847859.1).

ClinVar aggregate classification (germline): Likely pathogenic (1 of 4 stars; one submission).

Conditions:
Familial hemophagocytic lymphohistiocytosis (FHL). Also called: Familial erythrophagocytic lymphohistiocytosis; Familial histiocytic reticulosis; Hereditary hemophagocytic lymphohistiocytosis. Identifiers: Orphanet 158038, Orphanet 540, MedGen C0272199, MONDO:0015541.

Submission:

Women's Health and Genetics/Laboratory Corporation of America, LabCorp
Classification: Likely pathogenic for Familial hemophagocytic lymphohistiocytosis. Last evaluated: 2026-02-26. Review status: criteria provided, single submitter. Criteria: LabCorp Variant Classification Summary - May 2015. Collection method: clinical testing. Allele origin: germline.
Comment: Variant summary: PRF1 c.217T>A (p.Cys73Ser) results in a non-conservative amino acid change in the encoded protein sequence. Algorithms developed to predict the effect of missense changes on protein structure and function all suggest that this variant is likely to be disruptive. The variant was absent in 250282 control chromosomes. To our knowledge, no occurrence of c.217T>A in individuals affected with PRF1-related conditions and no experimental evidence demonstrating its impact on protein function have been reported. A different variant resulting in the same amino acid consequence has been classified as likely pathogenic/pathogenic by our lab (c.218G>C, p.Cys73Ser), supporting the pathogenicity of this variant. No submitters have cited clinical-significance assessments for this variant to ClinVar. Based on the evidence outlined above, the variant was classified as likely pathogenic.